The following is an entry in ClinVar:

ClinVar aggregate classification (germline): Pathogenic (1 of 4 stars; one submission).

Conditions:
Propionic acidemia (PROP). Also called: GLYCINEMIA, KETOTIC; HYPERGLYCINEMIA WITH KETOACIDOSIS AND LEUKOPENIA; KETOTIC HYPERGLYCINEMIA. Identifiers: Orphanet 35, MedGen C0268579, MONDO:0011628, OMIM 606054, HP:0003571.

Submission:

Labcorp Genetics (formerly Invitae), Labcorp
Classification: Pathogenic for Propionic acidemia. Last evaluated: 2020-03-29. Review status: criteria provided, single submitter. Criteria: Invitae Variant Classification Sherloc (09022015). Collection method: clinical testing. Allele origin: unknown.
Comment: For these reasons, this variant has been classified as Pathogenic. Loss-of-function variants in PCCB are known to be pathogenic (PMID: 15464417). In at least one individual the data is consistent with the variant being in trans (on the opposite chromosome) from a pathogenic variant. This variant results in the deletion of part of exon 9 (c.923_966+1304del) of the PCCB gene. It is expected to disrupt RNA splicing and likely results in an absent or disrupted protein product.

Literature cited by the submitters: PubMed 15464417.

NC_000003.11:g.(?_136019910)_(136021257_?)del

Gene: PCCB (propionyl-CoA carboxylase subunit beta; plus strand). Cytogenetic location: 3q22.3.
Variant type: Deletion.
Identifiers: ClinVar variation 3246859 (VCV003246859.1).